The following is an entry in ClinVar:

ClinVar aggregate classification (germline): Uncertain significance (1 of 4 stars; one submission).

Submission:

Labcorp Genetics (formerly Invitae), Labcorp
Classification: Uncertain significance. Last evaluated: 2022-06-24. Review status: criteria provided, single submitter. Criteria: Invitae Variant Classification Sherloc (09022015). Collection method: clinical testing. Allele origin: germline.
Comment: In summary, the available evidence is currently insufficient to determine the role of this variant in disease. Therefore, it has been classified as a Variant of Uncertain Significance. Algorithms developed to predict the effect of missense changes on protein structure and function (SIFT, PolyPhen-2, Align-GVGD) all suggest that this variant is likely to be disruptive. This variant has not been reported in the literature in individuals affected with KLHL7-related conditions. This variant is present in population databases (rs547015482, gnomAD 0.03%). This sequence change replaces proline, which is neutral and non-polar, with threonine, which is neutral and polar, at codon 456 of the KLHL7 protein (p.Pro456Thr).

NM_001031710.3(KLHL7):c.1366C>A (p.Pro456Thr)

Gene: KLHL7 (kelch like family member 7; plus strand). Cytogenetic location: 7p15.3.
Variant type: single nucleotide variant.
Coding change: c.1366C>A on transcript NM_001031710.3 (MANE Select); coding-DNA position 1366, C replaced by A.
Protein change: p.Pro456Thr; replaces proline 456 with threonine.
Molecular consequence: missense variant. On other transcripts: non-coding transcript variant (1).
Genome position (GRCh38, 1-based): chr7:23,168,024, C>A. VCF-style: chr7-23168024-C-A. GRCh37 (hg19) VCF-style: chr7-23207643-C-A.
Other names: c.1222C>A, p.Pro408Thr (NM_018846.5); short protein forms P408T, P456T.
Identifiers: ClinVar variation 2010386 (VCV002010386.4), dbSNP rs547015482, ClinGen allele CA4186591.